The following is an entry in ClinVar:

NM_000037.4(ANK1):c.2590T>C (p.Cys864Arg)

Gene: ANK1 (ankyrin 1; minus strand). Cytogenetic location: 8p11.21.
Variant type: single nucleotide variant.
Coding change: c.2590T>C on transcript NM_000037.4 (MANE Select); coding-DNA position 2590, T replaced by C.
Protein change: p.Cys864Arg; replaces cysteine 864 with arginine.
Molecular consequence: missense variant.
Genome position (GRCh38, 1-based): chr8:41,698,090, A>G on the plus strand (T>C on the coding strand, the complement: ANK1 is on the minus strand). VCF-style: chr8-41698090-A-G. GRCh37 (hg19) VCF-style: chr8-41555608-A-G.
Other names: c.2713T>C, p.Cys905Arg (NM_001142446.2); c.2590T>C, p.Cys864Arg (NM_020475.3, NM_020476.3, NM_020477.3); short protein forms C864R, C905R.
Identifiers: ClinVar variation 2096658 (VCV002096658.4), dbSNP rs2486794028, ClinGen allele CA371063376.

ClinVar aggregate classification (germline): Uncertain significance (1 of 4 stars; one submission).

Submission:

Labcorp Genetics (formerly Invitae), Labcorp
Classification: Uncertain significance. Last evaluated: 2022-05-25. Review status: criteria provided, single submitter. Criteria: Invitae Variant Classification Sherloc (09022015). Collection method: clinical testing. Allele origin: germline.
Comment: This variant has not been reported in the literature in individuals affected with ANK1-related conditions. In summary, the available evidence is currently insufficient to determine the role of this variant in disease. Therefore, it has been classified as a Variant of Uncertain Significance. Algorithms developed to predict the effect of missense changes on protein structure and function are either unavailable or do not agree on the potential impact of this missense change (SIFT: "Tolerated"; PolyPhen-2: "Probably Damaging"; Align-GVGD: "Class C0"). This variant is not present in population databases (gnomAD no frequency). This sequence change replaces cysteine, which is neutral and slightly polar, with arginine, which is basic and polar, at codon 864 of the ANK1 protein (p.Cys864Arg).